The following is an entry in ClinVar:

NM_213599.3(ANO5):c.2594_2604del (p.Ile865fs)

Gene: ANO5 (anoctamin 5; plus strand). Cytogenetic location: 11p14.3.
Variant type: Deletion.
Coding change: c.2594_2604del on transcript NM_213599.3 (MANE Select); coding-DNA positions 2594 to 2604, 11 bases deleted (TCAAGAGAGAA).
Protein change: p.Ile865fs; shifts the reading frame from isoleucine 865.
Molecular consequence: frameshift variant.
Genome position (GRCh38, 1-based): chr11:22,279,617-22,279,627, TCAAGAGAGAA deleted; deleting any 11 consecutive bases within chr11:22,279,610-22,279,627 gives the same sequence; the c. name uses the placement nearest the transcript's 3' end. VCF-style (leftmost placement, unchanged base first): chr11-22279609-GGAGAGAATCAA-G. GRCh37 (hg19) VCF-style: chr11-22301155-GGAGAGAATCAA-G.
Other names: c.2591_2601del, p.Ile864fs (NM_001142649.2); short protein forms I864fs, I865fs.
Identifiers: ClinVar variation 1043318 (VCV001043318.7), dbSNP rs1371210536, ClinGen allele CA598389420.
Genomic context (GRCh38, chr11:22,279,609, plus strand): 5'-TGTGTTTTTAGTTAAATTTTTGCTGGCCTGGATGATACCTGATGTTCCAAAAGATGTTGT[GGAGAGAATCAA>G]GAGAGAAAAGTTAATGACTATCAAGATTCTCCATGATTTTGAGCTCAACAAATTAAAAGA-3'

ClinVar aggregate classification (germline): Uncertain significance (1 of 4 stars; one submission).

Conditions:
Autosomal recessive limb-girdle muscular dystrophy type 2L (LGMDR12). Also called: Limb-girdle muscular dystrophy, type 2L; MUSCULAR DYSTROPHY, LIMB-GIRDLE, AUTOSOMAL RECESSIVE 12; Limb-Girdle Muscular Dystrophy R12 Anoctamin-5-Related (LGMD-R12). Identifiers: Orphanet 206549, MedGen C1969785, MONDO:0012652, OMIM 611307.
Gnathodiaphyseal dysplasia (GDD). Also called: OSTEOGENESIS IMPERFECTA WITH UNUSUAL SKELETAL LESIONS; GNATHODIAPHYSEAL SCLEROSIS. Identifiers: Orphanet 53697, MedGen C1833736, MONDO:0008151, OMIM 166260.

Submission:

Labcorp Genetics (formerly Invitae), Labcorp
Classification: Uncertain significance for Autosomal recessive limb-girdle muscular dystrophy type 2L; Gnathodiaphyseal dysplasia. Last evaluated: 2026-02-01. Review status: criteria provided, single submitter. Criteria: Invitae Variant Classification Sherloc (09022015). Collection method: clinical testing. Allele origin: germline.
Comment: This sequence change creates a premature translational stop signal (p.Ile865Lysfs*10) in the ANO5 gene. While this is not anticipated to result in nonsense mediated decay, it is expected to disrupt the last 49 amino acid(s) of the ANO5 protein. This variant is present in population databases (no rsID available, gnomAD 0.007%). This variant has not been reported in the literature in individuals affected with ANO5-related conditions. ClinVar contains an entry for this variant (Variation ID: 1043318). Experimental studies and prediction algorithms are not available or were not evaluated, and the functional significance of this variant is currently unknown. Algorithms developed to predict the effect of sequence changes on RNA splicing suggest that this variant may disrupt the consensus splice site. In summary, the available evidence is currently insufficient to determine the role of this variant in disease. Therefore, it has been classified as a Variant of Uncertain Significance.